The following is an entry in ClinVar:

NM_133259.4(LRPPRC):c.1920+1G>T

Gene: LRPPRC (leucine rich pentatricopeptide repeat containing; minus strand). Cytogenetic location: 2p21.
Variant type: single nucleotide variant.
Coding change: c.1920+1G>T on transcript NM_133259.4 (MANE Select); the canonical splice donor site of the intron after coding-DNA position 1920, G replaced by T.
Molecular consequence: splice donor variant.
Genome position (GRCh38, 1-based): chr2:43,948,121, C>A on the plus strand (G>T on the coding strand, the complement: LRPPRC is on the minus strand). VCF-style: chr2-43948121-C-A. GRCh37 (hg19) VCF-style: chr2-44175260-C-A.
Identifiers: ClinVar variation 214607 (VCV000214607.5), dbSNP rs863224055, ClinGen allele CA322242.

ClinVar aggregate classification (germline): Pathogenic/Likely pathogenic. Review status: criteria provided, multiple submitters, no conflicts (2 of 4 stars). 2 submissions from 2 submitters: Pathogenic (1); Likely pathogenic (1). Last evaluated 2023-12-14.

gnomAD v4.1: 1 of 1,569,500 alleles (0.000064%); highest among the groups gnomAD compares: Non-Finnish European, 0.000088%; no homozygotes.

Submissions (2):

Labcorp Genetics (formerly Invitae), Labcorp
Classification: Likely pathogenic. Last evaluated: 2023-12-14. Review status: criteria provided, single submitter. Criteria: Invitae Variant Classification Sherloc (09022015). Collection method: clinical testing. Allele origin: germline.
Comment: This sequence change affects a donor splice site in intron 18 of the LRPPRC gene. It is expected to disrupt RNA splicing. Variants that disrupt the donor or acceptor splice site typically lead to a loss of protein function (PMID: 16199547), and loss-of-function variants in LRPPRC are known to be pathogenic (PMID: 26510951). This variant is not present in population databases (gnomAD no frequency). This variant has not been reported in the literature in individuals affected with LRPPRC-related conditions. ClinVar contains an entry for this variant (Variation ID: 214607). Algorithms developed to predict the effect of sequence changes on RNA splicing suggest that this variant may disrupt the consensus splice site. In summary, the currently available evidence indicates that the variant is pathogenic, but additional data are needed to prove that conclusively. Therefore, this variant has been classified as Likely Pathogenic.

GeneDx
Classification: Pathogenic. Last evaluated: 2014-03-03. Review status: criteria provided, single submitter. Criteria: GeneDx Variant Classification (06012015). Collection method: clinical testing. Allele origin: germline. Affected: yes.
Comment: c.1920+1 G>T: IVS18+1 G>T in intron 18 of the LRPPRC gene (NM_133259.3). The c.1920+1 G>T splice site mutation in the LRPPRC gene destroys the canonical splice donor site in intron 18. It is predicted to cause abnormal gene splicing, either leading to an abnormal message that is subject to nonsense-mediated mRNA decay, or to an abnormal protein product if the message is used for protein translation. Although this mutation has not been previously reported to our knowledge, it is expected to be a pathogenic mutation. The variant is found in MITONUC-MITOP panel(s).

Literature cited by the submitters: PubMed 16199547 (cited by Labcorp Genetics (formerly Invitae), Labcorp); PubMed 26510951 (cited by Labcorp Genetics (formerly Invitae), Labcorp).